The following is an entry in ClinVar:

ClinVar aggregate classification (germline): Uncertain significance. Review status: criteria provided, multiple submitters, no conflicts (2 of 4 stars). 4 submissions from 4 submitters: Uncertain significance (4). Last evaluated 2025-04-24.

Conditions:
Inborn genetic diseases. Identifiers: MedGen C0950123, MeSH D030342.
Hyperkalemic periodic paralysis. Also called: Familial hyperkalemic periodic paralysis; Gamstorp disease. Identifiers: Orphanet 682, MedGen C0238357, MONDO:0008224, OMIM 170500, HP:0007215.
Congenital myasthenic syndrome 16. Identifiers: Orphanet 590, MedGen C3280112, MONDO:0013620, OMIM 614198.
Hypokalemic periodic paralysis, type 1. Also called: Hypokalemic Periodic Paralysis Type 1 (AD); HypoPP. Identifiers: Orphanet 681, MedGen C3714580, MONDO:0042979, OMIM 170400.
Paramyotonia congenita of Von Eulenburg. Also called: Myotonia congenita intermittens; Von Eulenburg paramyotonia congenita; Paramyotonia Congenita; PARALYSIS PERIODICA PARAMYOTONICA; Eulenburg disease. Identifiers: Orphanet 684, MedGen C0221055, MONDO:0008195, OMIM 168300. Disease mechanism: loss of function.
Hypokalemic periodic paralysis, type 2 (HOKPP2). Identifiers: Orphanet 681, MedGen C2750061, MONDO:0013234, OMIM 613345.
Potassium-aggravated myotonia. Also called: Myotonia congenita, atypical, acetazolamide-responsive; MYOTONIA CONGENITA, ACETAZOLAMIDE-RESPONSIVE; MYOTONIA CONGENITA, ATYPICAL; SODIUM CHANNEL MUSCLE DISEASE. Identifiers: Orphanet 612, Orphanet 99734, Orphanet 99735, Orphanet 99736, MedGen C2931826, MONDO:0018959, OMIM 608390.

Allele frequency attached by ClinVar (database versions not stated): gnomAD 0.00001; gnomAD exomes 0.00001; TOPMed 0.00001.

Submissions (4):

Labcorp Genetics (formerly Invitae), Labcorp
Classification: Uncertain significance for Hyperkalemic periodic paralysis. Last evaluated: 2025-04-24. Review status: criteria provided, single submitter. Criteria: Invitae Variant Classification Sherloc (09022015). Collection method: clinical testing. Allele origin: germline.
Comment: This sequence change replaces methionine, which is neutral and non-polar, with valine, which is neutral and non-polar, at codon 1477 of the SCN4A protein (p.Met1477Val). This variant is present in population databases (no rsID available, gnomAD 0.003%). This variant has not been reported in the literature in individuals affected with SCN4A-related conditions. ClinVar contains an entry for this variant (Variation ID: 543806). Invitae Evidence Modeling of protein sequence and biophysical properties (such as structural, functional, and spatial information, amino acid conservation, physicochemical variation, residue mobility, and thermodynamic stability) indicates that this missense variant is expected to disrupt SCN4A protein function with a positive predictive value of 80%. In summary, the available evidence is currently insufficient to determine the role of this variant in disease. Therefore, it has been classified as a Variant of Uncertain Significance.

Blueprint Genetics
Classification: Uncertain significance. Last evaluated: 2024-03-26. Review status: criteria provided, single submitter. Criteria: ACMG Guidelines, 2015. Collection method: clinical testing. Allele origin: germline.

Ambry Genetics
Classification: Uncertain significance for Inborn genetic diseases. Last evaluated: 2021-12-03. Review status: criteria provided, single submitter. Criteria: Ambry Variant Classification Scheme 2023. Collection method: clinical testing. Allele origin: germline.

Fulgent Genetics
Classification: Uncertain significance for Paramyotonia congenita of Von Eulenburg; Hypokalemic periodic paralysis, type 1; Hyperkalemic periodic paralysis; Potassium-aggravated myotonia; Hypokalemic periodic paralysis, type 2; Congenital myasthenic syndrome 16. Last evaluated: 2018-10-31. Review status: criteria provided, single submitter. Criteria: ACMG Guidelines, 2015. Collection method: clinical testing. Allele origin: unknown.

NM_000334.4(SCN4A):c.4429A>G (p.Met1477Val)

Genes: GH-LCR (growth hormone locus control region; plus strand), SCN4A (sodium voltage-gated channel alpha subunit 4; minus strand). Cytogenetic location: 17q23.3.
Variant type: single nucleotide variant.
Coding change: c.4429A>G on transcript NM_000334.4 (MANE Select); coding-DNA position 4429, A replaced by G.
Protein change: p.Met1477Val; replaces methionine 1477 with valine.
Molecular consequence: missense variant.
Genome position (GRCh38, 1-based): chr17:63,941,853, T>C on the plus strand (A>G on the coding strand, the complement: SCN4A is on the minus strand). VCF-style: chr17-63941853-T-C. GRCh37 (hg19) VCF-style: chr17-62019213-T-C.
Other names: short protein forms M1477V.
Identifiers: ClinVar variation 543806 (VCV000543806.12), dbSNP rs1465376529, ClinGen allele CA400616043.